The following is an entry in ClinVar:

NM_032242.4(PLXNA1):c.3360_3380dup (p.Gly1127_Phe1128insGluArgProAspGluLeuGly)

Gene: PLXNA1 (plexin A1; plus strand). Cytogenetic location: 3q21.3.
Variant type: Duplication.
Coding change: c.3360_3380dup on transcript NM_032242.4 (MANE Select); coding-DNA positions 3360 to 3380, 21 bases duplicated (GGAGCGGCCGGATGAGCTGGG).
Protein change: p.Gly1127_Phe1128insGluArgProAspGluLeuGly.
Molecular consequence: inframe insertion.
Genome position (GRCh38, 1-based): chr3:127,017,508-127,017,528, GGAGCGGCCGGATGAGCTGGG duplicated; duplicating any 21 consecutive bases within chr3:127,017,500-127,017,528 gives the same sequence; the c. name uses the placement nearest the transcript's 3' end. VCF-style (leftmost placement, unchanged base first): chr3-127017499-A-AGAGCTGGGGGAGCGGCCGGAT. GRCh37 (hg19) VCF-style: chr3-126736342-A-AGAGCTGGGGGAGCGGCCGGAT.
Identifiers: ClinVar variation 4991519 (VCV004991519.1).

ClinVar aggregate classification (germline): Uncertain significance (1 of 4 stars; one submission).

Conditions:
PLXNA1-related disorder. Also called: PLXNA1-related condition.

Submission:

PreventionGenetics, part of Exact Sciences
Classification: Uncertain significance for PLXNA1-related condition. Last evaluated: 2025-12-17. Review status: criteria provided, single submitter. Criteria: ACMG Guidelines, 2015. Collection method: clinical testing. Allele origin: germline.
Comment: The PLXNA1 c.3360_3380dup21 variant is predicted to result in an in-frame duplication (p.Glu1121_Gly1127dup). To our knowledge, this variant has not been reported in the literature or in a large population database (gnomAD), indicating this variant is rare. At this time, the clinical significance of this variant is uncertain due to the absence of conclusive functional and genetic evidence.